The following is an entry in ClinVar:

NM_020911.2(PLXNA4):c.332C>T (p.Thr111Ile)

Gene: PLXNA4 (plexin A4; minus strand). Cytogenetic location: 7q32.3.
Variant type: single nucleotide variant.
Coding change: c.332C>T on transcript NM_020911.2 (MANE Select); coding-DNA position 332, C replaced by T.
Protein change: p.Thr111Ile; replaces threonine 111 with isoleucine.
Molecular consequence: missense variant.
Genome position (GRCh38, 1-based): chr7:132,508,362, G>A on the plus strand (C>T on the coding strand, the complement: PLXNA4 is on the minus strand). VCF-style: chr7-132508362-G-A. GRCh37 (hg19) VCF-style: chr7-132193121-G-A.
Other names: c.332C>T, p.Thr111Ile (NM_001105543.2, NM_001393897.1, NM_181775.4); short protein forms T111I.
Identifiers: ClinVar variation 3351310 (VCV003351310.1).
Genomic context (GRCh38, chr7:132,508,362, plus strand): 5'-CCACAGGCAATCAGCCTGTTCTCCTTGTAGTCTATGAGGAGCATCTTGTTGACATTGTTG[G>A]TGGTGGTCAGGGGCTCATTGCAGGTCTGGACGATGCGGGGTGGGTAACACTTGGGGTTGT-3'
Protein context (NP_065962.1, residues 101-121): VQTCNEPLTT[Thr111Ile]NNVNKMLLID

ClinVar aggregate classification (germline): Uncertain significance (0 of 4 stars; one submission).

Conditions:
PLXNA4-related disorder. Also called: PLXNA4-related condition.

gnomAD v4.1: 14 of 1,614,200 alleles (0.00087%); highest among the groups gnomAD compares: Non-Finnish European, 0.0012%; no homozygotes.

Submission:

PreventionGenetics, part of Exact Sciences
Classification: Uncertain significance for PLXNA4-related condition. Last evaluated: 2024-04-16. Review status: no assertion criteria provided. Collection method: clinical testing. Allele origin: germline.
Comment: The PLXNA4 c.332C>T variant is predicted to result in the amino acid substitution p.Thr111Ile. To our knowledge, this variant has not been reported in the literature. This variant is reported in 0.00088% of alleles in individuals of European (Non-Finnish) descent in gnomAD. At this time, the clinical significance of this variant is uncertain due to the absence of conclusive functional and genetic evidence.